The following is an entry in ClinVar:

ClinVar aggregate classification (germline): Uncertain significance (1 of 4 stars; one submission).

Conditions:
Inborn genetic diseases. Identifiers: MedGen C0950123, MeSH D030342.

gnomAD v4.1: 16 of 1,488,828 alleles (0.0011%); highest among the groups gnomAD compares: South Asian, 0.019%; no homozygotes.

Submission:

Ambry Genetics
Classification: Uncertain significance for Inborn genetic diseases. Last evaluated: 2025-04-06. Review status: criteria provided, single submitter. Criteria: Ambry Variant Classification Scheme 2023. Collection method: clinical testing. Allele origin: germline.
Comment: The p.P184S variant (also known as c.550C>T), located in coding exon 1 of the SH2B3 gene, results from a C to T substitution at nucleotide position 550. The proline at codon 184 is replaced by serine, an amino acid with similar properties. This amino acid position is conserved. In addition, this alteration is predicted to be tolerated by in silico analysis. Based on the available evidence, the clinical significance of this variant remains unclear.

NM_005475.3(SH2B3):c.550C>T (p.Pro184Ser)

Gene: SH2B3 (SH2B adaptor protein 3; plus strand). Cytogenetic location: 12q24.12.
Variant type: single nucleotide variant.
Coding change: c.550C>T on transcript NM_005475.3 (MANE Select); coding-DNA position 550, C replaced by T.
Protein change: p.Pro184Ser; replaces proline 184 with serine.
Molecular consequence: missense variant.
Genome position (GRCh38, 1-based): chr12:111,418,695, C>T. VCF-style: chr12-111418695-C-T. GRCh37 (hg19) VCF-style: chr12-111856499-C-T.
Other names: short protein forms P184S.
Identifiers: ClinVar variation 3953429 (VCV003953429.1).